The following is an entry in ClinVar:

ClinVar aggregate classification (germline): Uncertain significance (1 of 4 stars; one submission).

Conditions:
Multiple congenital anomalies-hypotonia-seizures syndrome 1 (MCAHS1). Also called: PIGN-CDG; Congenital disorder of glycosylation due to PIGN deficiency; GLYCOSYLPHOSPHATIDYLINOSITOL BIOSYNTHESIS DEFECT 3. Identifiers: Orphanet 280633, MedGen C3279775, MONDO:0013563, OMIM 614080.

Submission:

Juno Genomics, Hangzhou Juno Genomics, Inc
Classification: Uncertain significance for Multiple congenital anomalies-hypotonia-seizures syndrome 1. Review status: criteria provided, single submitter. Criteria: ACMG Guidelines, 2015. Collection method: clinical testing. Allele origin: germline.
Comment: Null variant in a gene where loss of function (LOF) is a known mechanism of disease.;Absent from controls (or at extremely low frequency if recessive) in Genome Aggregation Database.

NM_176787.5(PIGN):c.964-2A>G

Gene: PIGN (phosphatidylinositol glycan anchor biosynthesis class N; minus strand). Cytogenetic location: 18q21.33.
Variant type: single nucleotide variant.
Coding change: c.964-2A>G on transcript NM_176787.5 (MANE Select); the canonical splice acceptor site of the intron before coding-DNA position 964, A replaced by G.
Molecular consequence: splice acceptor variant.
Genome position (GRCh38, 1-based): chr18:62,140,481, T>C on the plus strand (A>G on the coding strand, the complement: PIGN is on the minus strand). VCF-style: chr18-62140481-T-C. GRCh37 (hg19) VCF-style: chr18-59807714-T-C.
Other names: c.964-2A>G (NM_001438910.1, NM_012327.6, NM_001438896.1 and 2 more transcripts).
Identifiers: ClinVar variation 5005899 (VCV005005899.2).